The following is an entry in ClinVar:

ClinVar aggregate classification (germline): Uncertain significance (1 of 4 stars; one submission).

Submission:

Ambry Genetics
Classification: Uncertain significance. Last evaluated: 2025-02-26. Review status: criteria provided, single submitter. Criteria: Ambry Variant Classification Scheme 2023. Collection method: clinical testing. Allele origin: germline.
Comment: The p.D110E variant (also known as c.330T>G), located in coding exon 2 of the ATRIP gene, results from a T to G substitution at nucleotide position 330. The aspartic acid at codon 110 is replaced by glutamic acid, an amino acid with highly similar properties. This amino acid position is conserved. In addition, this alteration is predicted to be tolerated by in silico analysis. Based on the available evidence, the clinical significance of this variant remains unclear.

NM_130384.3(ATRIP):c.330T>G (p.Asp110Glu)

Genes: ATRIP (ATR interacting protein; plus strand), ATRIP-TREX1 (ATRIP-TREX1 readthrough; plus strand). Cytogenetic location: 3p21.31.
Variant type: single nucleotide variant.
Coding change: c.330T>G on transcript NM_130384.3 (MANE Select); coding-DNA position 330, T replaced by G.
Protein change: p.Asp110Glu; replaces aspartic acid 110 with glutamic acid.
Molecular consequence: missense variant. On other transcripts: non-coding transcript variant (1), 5 prime UTR variant (1).
Genome position (GRCh38, 1-based): chr3:48,450,119, T>G. VCF-style: chr3-48450119-T-G. GRCh37 (hg19) VCF-style: chr3-48491525-T-G.
Other names: c.-135T>G (NM_001271022.2); c.51T>G, p.Asp17Glu (NM_001271023.2); c.330T>G, p.Asp110Glu (NM_032166.4); short protein forms D17E, D110E.
Identifiers: ClinVar variation 3811034 (VCV003811034.1).